The following is an entry in ClinVar:

ClinVar aggregate classification (germline): Uncertain significance. Review status: criteria provided, multiple submitters, no conflicts (2 of 4 stars). 2 submissions from 2 submitters: Uncertain significance (2). Last evaluated 2023-04-07.

Conditions:
RASopathy. Also called: rasopathies; Noonan spectrum disorder. Identifiers: Orphanet 536391, MedGen C5555857, MONDO:0021060.

Submissions (2):

Labcorp Genetics (formerly Invitae), Labcorp
Classification: Uncertain significance for RASopathy. Last evaluated: 2023-04-07. Review status: criteria provided, single submitter. Criteria: Invitae Variant Classification Sherloc (09022015). Collection method: clinical testing. Allele origin: germline.
Comment: This sequence change replaces proline, which is neutral and non-polar, with serine, which is neutral and polar, at codon 382 of the RAF1 protein (p.Pro382Ser). In summary, the available evidence is currently insufficient to determine the role of this variant in disease. Therefore, it has been classified as a Variant of Uncertain Significance. Advanced modeling of protein sequence and biophysical properties (such as structural, functional, and spatial information, amino acid conservation, physicochemical variation, residue mobility, and thermodynamic stability) performed at Invitae indicates that this missense variant is expected to disrupt RAF1 protein function. ClinVar contains an entry for this variant (Variation ID: 660342). This variant has not been reported in the literature in individuals affected with RAF1-related conditions. This variant is not present in population databases (gnomAD no frequency).

Women's Health and Genetics/Laboratory Corporation of America, LabCorp
Classification: Uncertain significance. Last evaluated: 2022-11-06. Review status: criteria provided, single submitter. Criteria: LabCorp Variant Classification Summary - May 2015. Collection method: clinical testing. Allele origin: germline.

NM_002880.4(RAF1):c.1144C>T (p.Pro382Ser)

Gene: RAF1 (Raf-1 proto-oncogene, serine/threonine kinase; minus strand). Cytogenetic location: 3p25.2.
Variant type: single nucleotide variant.
Coding change: c.1144C>T on transcript NM_002880.4 (MANE Select); coding-DNA position 1144, C replaced by T.
Protein change: p.Pro382Ser; replaces proline 382 with serine.
Molecular consequence: missense variant. On other transcripts: non-coding transcript variant (3).
Genome position (GRCh38, 1-based): chr3:12,591,757, G>A on the plus strand (C>T on the coding strand, the complement: RAF1 is on the minus strand). VCF-style: chr3-12591757-G-A. GRCh37 (hg19) VCF-style: chr3-12633256-G-A.
Other names: c.1204C>T, p.Pro402Ser (NM_001354689.3); c.1144C>T, p.Pro382Ser (NM_001354690.3); c.901C>T, p.Pro301Ser (NM_001354691.3, NM_001354692.3); c.1045C>T, p.Pro349Ser (NM_001354693.3); c.961C>T, p.Pro321Ser (NM_001354694.3); c.802C>T, p.Pro268Ser (NM_001354695.3); short protein forms P321S, P382S, P268S, P301S, P349S, P402S.
Identifiers: ClinVar variation 660342 (VCV000660342.9), dbSNP rs1575546471, ClinGen allele CA351504024.